The following is an entry in ClinVar:

ClinVar aggregate classification (germline): Pathogenic (1 of 4 stars; one submission).

Conditions:
Focal segmental glomerulosclerosis 1 (FSGS1). Identifiers: Orphanet 656, MedGen C4551527, MONDO:0011303, OMIM 603278.

Submission:

MVZ Medizinische Genetik Mainz
Classification: Pathogenic for Focal segmental glomerulosclerosis 1. Last evaluated: 2024-05-03. Review status: criteria provided, single submitter. Criteria: UK Practice Guidelines For Variant Classification V4 01 2020. Collection method: clinical testing. Allele origin: germline. Inheritance: Autosomal dominant inheritance. Affected: yes. Observed: 1 variant allele.
Comment: ACMG Criteria: PP3_STR,PM1,PM2_SUP,PP2

NM_004924.6(ACTN4):c.517T>C (p.Cys173Arg)

Gene: ACTN4 (actinin alpha 4; plus strand). Cytogenetic location: 19q13.2.
Variant type: single nucleotide variant.
Coding change: c.517T>C on transcript NM_004924.6 (MANE Select); coding-DNA position 517, T replaced by C.
Protein change: p.Cys173Arg; replaces cysteine 173 with arginine.
Molecular consequence: missense variant.
Genome position (GRCh38, 1-based): chr19:38,706,076, T>C. VCF-style: chr19-38706076-T-C. GRCh37 (hg19) VCF-style: chr19-39196716-T-C.
Other names: c.517T>C, p.Cys173Arg (NM_001322033.2, NM_001411143.1); short protein forms C173R.
Identifiers: ClinVar variation 3068392 (VCV003068392.2), dbSNP rs2515200807, ClinGen allele CA405691068.